The following is an entry in ClinVar:

NM_014813.3(LRIG2):c.524_527del (p.Ser175fs)

Gene: LRIG2 (leucine rich repeats and immunoglobulin like domains 2; plus strand). Cytogenetic location: 1p13.2.
Variant type: Deletion.
Coding change: c.524_527del on transcript NM_014813.3 (MANE Select); coding-DNA positions 524 to 527, 4 bases deleted (GTAA; older notation c.524_527delGTAA).
Protein change: p.Ser175fs; shifts the reading frame from serine 175.
Molecular consequence: frameshift variant.
Genome position (GRCh38, 1-based): chr1:113,094,347-113,094,350, GTAA deleted; deleting any 4 consecutive bases within chr1:113,094,344-113,094,350 gives the same sequence; the c. name uses the placement nearest the transcript's 3' end. VCF-style (leftmost placement, unchanged base first): chr1-113094343-TTAAG-T. GRCh37 (hg19) VCF-style: chr1-113636965-TTAAG-T.
Other names: c.524_527delGTAA (NM_014813.3); c.215_218del, p.Ser72fs (NM_001312686.2); short protein forms S175fs, S72fs.
Identifiers: ClinVar variation 4849332 (VCV004849332.1).

ClinVar aggregate classification (germline): Likely pathogenic (1 of 4 stars; one submission).

Conditions:
Urofacial syndrome 2 (UFS2). Also called: LRIG2-Related Urofacial Syndrome. Identifiers: Orphanet 2704, MedGen C3554520, MONDO:0014049, OMIM 615112.

Submission:

First Genomix Gene Laboratory, Genetic Diagnostics Department
Classification: Likely pathogenic for Urofacial syndrome 2. Last evaluated: 2025-11-13. Review status: criteria provided, single submitter. Criteria: ACMG Guidelines, 2015. Collection method: clinical testing. Allele origin: germline. Inheritance: Autosomal recessive inheritance. Affected: no. Observed: 1 variant allele.